The following is an entry in ClinVar:

ClinVar aggregate classification (germline): Uncertain significance (1 of 4 stars; one submission).

Submission:

Labcorp Genetics (formerly Invitae), Labcorp
Classification: Uncertain significance. Last evaluated: 2023-11-24. Review status: criteria provided, single submitter. Criteria: Invitae Variant Classification Sherloc (09022015). Collection method: clinical testing. Allele origin: germline.
Comment: This sequence change replaces methionine, which is neutral and non-polar, with threonine, which is neutral and polar, at codon 1467 of the MTOR protein (p.Met1467Thr). This variant is not present in population databases (gnomAD no frequency). This variant has not been reported in the literature in individuals affected with MTOR-related conditions. Advanced modeling of protein sequence and biophysical properties (such as structural, functional, and spatial information, amino acid conservation, physicochemical variation, residue mobility, and thermodynamic stability) performed at Invitae indicates that this missense variant is not expected to disrupt MTOR protein function with a negative predictive value of 95%. In summary, the available evidence is currently insufficient to determine the role of this variant in disease. Therefore, it has been classified as a Variant of Uncertain Significance.

NM_004958.4(MTOR):c.4400T>C (p.Met1467Thr)

Gene: MTOR (mechanistic target of rapamycin kinase; minus strand). Cytogenetic location: 1p36.22.
Variant type: single nucleotide variant.
Coding change: c.4400T>C on transcript NM_004958.4 (MANE Select); coding-DNA position 4400, T replaced by C.
Protein change: p.Met1467Thr; replaces methionine 1467 with threonine.
Molecular consequence: missense variant.
Genome position (GRCh38, 1-based): chr1:11,157,221, A>G on the plus strand (T>C on the coding strand, the complement: MTOR is on the minus strand). VCF-style: chr1-11157221-A-G. GRCh37 (hg19) VCF-style: chr1-11217278-A-G.
Other names: c.4400T>C, p.Met1467Thr (NM_001386500.1); c.3152T>C, p.Met1051Thr (NM_001386501.1); short protein forms M1051T, M1467T.
Identifiers: ClinVar variation 2789375 (VCV002789375.3), dbSNP rs2100567800, ClinGen allele CA338371827.